The following is an entry in ClinVar:

ClinVar aggregate classification (germline): Uncertain significance (1 of 4 stars; one submission).

Conditions:
Developmental and epileptic encephalopathy. Identifiers: MedGen C5779964, MONDO:0100620.

Allele frequency attached by ClinVar (database versions not stated): gnomAD exomes below 0.00001; ExAC 0.00001; gnomAD 0.00001; TOPMed 0.00001.
gnomAD v4.1: 4 of 1,613,850 alleles (0.00025%); highest among the groups gnomAD compares: African/African-American, 0.0027%; no homozygotes.

Submission:

Labcorp Genetics (formerly Invitae), Labcorp
Classification: Uncertain significance for Early-infantile DEE. Last evaluated: 2021-03-24. Review status: criteria provided, single submitter. Criteria: Invitae Variant Classification Sherloc (09022015). Collection method: clinical testing. Allele origin: germline.
Comment: This sequence change falls in intron 4 of the CACNA2D2 gene. It does not directly change the encoded amino acid sequence of the CACNA2D2 protein. It affects a nucleotide within the consensus splice site of the intron. This variant is present in population databases (rs762801319, ExAC 0.002%). This variant has not been reported in the literature in individuals with CACNA2D2-related conditions. Nucleotide substitutions within the consensus splice site are a relatively common cause of aberrant splicing (PMID: 17576681, 9536098). Algorithms developed to predict the effect of sequence changes on RNA splicing suggest that this variant may disrupt the consensus splice site, but this prediction has not been confirmed by published transcriptional studies. In summary, the available evidence is currently insufficient to determine the role of this variant in disease. Therefore, it has been classified as a Variant of Uncertain Significance.

Literature cited by the submitters: PubMed 17576681; PubMed 9536098.

NM_006030.4(CACNA2D2):c.465+3A>G

Gene: CACNA2D2 (calcium voltage-gated channel auxiliary subunit alpha2delta 2; minus strand). Cytogenetic location: 3p21.31.
Variant type: single nucleotide variant.
Coding change: c.465+3A>G on transcript NM_006030.4 (MANE Select); 3 bases into the intron after coding-DNA position 465, A replaced by G.
Molecular consequence: intron variant.
Genome position (GRCh38, 1-based): chr3:50,394,106, T>C on the plus strand (A>G on the coding strand, the complement: CACNA2D2 is on the minus strand). VCF-style: chr3-50394106-T-C. GRCh37 (hg19) VCF-style: chr3-50431537-T-C.
Other names: c.258+3A>G (NM_001291101.1); c.465+3A>G (NM_001005505.3, NM_001174051.3).
Identifiers: ClinVar variation 1412098 (VCV001412098.4), dbSNP rs762801319, ClinGen allele CA2419199.